The following is an entry in ClinVar:

NM_182914.3(SYNE2):c.3160A>G (p.Ile1054Val)

Gene: SYNE2 (spectrin repeat containing nuclear envelope protein 2; plus strand). Cytogenetic location: 14q23.2.
Variant type: single nucleotide variant.
Coding change: c.3160A>G on transcript NM_182914.3 (MANE Select); coding-DNA position 3160, A replaced by G.
Protein change: p.Ile1054Val; replaces isoleucine 1054 with valine.
Molecular consequence: missense variant.
Genome position (GRCh38, 1-based): chr14:63,997,308, A>G. VCF-style: chr14-63997308-A-G. GRCh37 (hg19) VCF-style: chr14-64464026-A-G.
Other names: c.3160A>G, p.Ile1054Val (NM_015180.6); short protein forms I1054V.
Identifiers: ClinVar variation 1018156 (VCV001018156.8), dbSNP rs773784466, ClinGen allele CA7219890.

ClinVar aggregate classification (germline): Uncertain significance (1 of 4 stars; one submission).

Conditions:
Emery-Dreifuss muscular dystrophy 5, autosomal dominant (EDMD5). Also called: EMERY-DREIFUSS MUSCULAR DYSTROPHY 5. Identifiers: Orphanet 261, MedGen C2751805, MONDO:0013072, OMIM 612999.

Allele frequency attached by ClinVar (database versions not stated): gnomAD exomes 0.00001; TOPMed 0.00006.
gnomAD v4.1: 53 of 1,613,236 alleles (0.0033%); highest among the groups gnomAD compares: Non-Finnish European, 0.0043%; no homozygotes.

Submission:

Labcorp Genetics (formerly Invitae), Labcorp
Classification: Uncertain significance for Emery-Dreifuss muscular dystrophy 5, autosomal dominant. Last evaluated: 2025-10-09. Review status: criteria provided, single submitter. Criteria: Invitae Variant Classification Sherloc (09022015). Collection method: clinical testing. Allele origin: germline.
Comment: This sequence change replaces isoleucine, which is neutral and non-polar, with valine, which is neutral and non-polar, at codon 1054 of the SYNE2 protein (p.Ile1054Val). This variant is present in population databases (rs773784466, gnomAD 0.004%). This variant has not been reported in the literature in individuals affected with SYNE2-related conditions. ClinVar contains an entry for this variant (Variation ID: 1018156). An algorithm developed to predict the effect of missense changes on protein structure and function outputs the following: PolyPhen-2: "Benign". The valine amino acid residue is found in multiple mammalian species, which suggests that this missense change does not adversely affect protein function. In summary, the available evidence is currently insufficient to determine the role of this variant in disease. Therefore, it has been classified as a Variant of Uncertain Significance.